The following is an entry in ClinVar:

NM_000321.3(RB1):c.337A>G (p.Met113Val)

Gene: RB1 (RB transcriptional corepressor 1; plus strand). Cytogenetic location: 13q14.2.
Variant type: single nucleotide variant.
Coding change: c.337A>G on transcript NM_000321.3 (MANE Select); coding-DNA position 337, A replaced by G.
Protein change: p.Met113Val; replaces methionine 113 with valine.
Molecular consequence: missense variant.
Genome position (GRCh38, 1-based): chr13:48,342,671, A>G. VCF-style: chr13-48342671-A-G. GRCh37 (hg19) VCF-style: chr13-48916807-A-G.
Other names: c.337A>G, p.Met113Val (NM_001407165.1, NM_001407166.1); short protein forms M113V.
Identifiers: ClinVar variation 2560791 (VCV002560791.4), dbSNP rs1593434246, ClinGen allele CA388252474.

ClinVar aggregate classification (germline): Uncertain significance. Review status: criteria provided, multiple submitters, no conflicts (2 of 4 stars). 3 submissions from 3 submitters: Uncertain significance (3). Last evaluated 2025-06-27.

Conditions:
Retinoblastoma (RB1). Also called: RETINOBLASTOMA, SOMATIC. Identifiers: Orphanet 790, MedGen C0035335, MeSH D012175, MONDO:0008380, OMIM 180200, HP:0009919. Disease mechanism: loss of function. Inheritance: Both sporadic and heritable forms are tested..
Hereditary cancer-predisposing syndrome. Also called: Neoplastic Syndromes, Hereditary; Hereditary Cancer Syndrome; Hereditary neoplastic syndrome; Tumor predisposition. Identifiers: Orphanet 140162, MedGen C0027672, MeSH D009386, MONDO:0015356.

Submissions (3):

Labcorp Genetics (formerly Invitae), Labcorp
Classification: Uncertain significance for Retinoblastoma. Last evaluated: 2025-06-27. Review status: criteria provided, single submitter. Criteria: Invitae Variant Classification Sherloc (09022015). Collection method: clinical testing. Allele origin: germline.
Comment: This sequence change replaces methionine, which is neutral and non-polar, with valine, which is neutral and non-polar, at codon 113 of the RB1 protein (p.Met113Val). This variant is not present in population databases (gnomAD no frequency). This variant has not been reported in the literature in individuals affected with RB1-related conditions. ClinVar contains an entry for this variant (Variation ID: 2560791). Invitae Evidence Modeling of protein sequence and biophysical properties (such as structural, functional, and spatial information, amino acid conservation, physicochemical variation, residue mobility, and thermodynamic stability) indicates that this missense variant is not expected to disrupt RB1 protein function with a negative predictive value of 80%. In summary, the available evidence is currently insufficient to determine the role of this variant in disease. Therefore, it has been classified as a Variant of Uncertain Significance.

All of Us Research Program, National Institutes of Health
Classification: Uncertain significance for Retinoblastoma. Last evaluated: 2024-09-23. Review status: criteria provided, single submitter. Criteria: ACMG Guidelines, 2015. Collection method: clinical testing. Allele origin: germline. Inheritance: Autosomal dominant inheritance. Observed: 1 variant allele, 1 heterozygote.
Comment: This study involves interpretation of variants in research participants for the purpose of population health screening. Participant phenotype was not available at the time of variant classification. Additional details can be found in publication PMID: 35346344, PMCID: PMC8962531

Ambry Genetics
Classification: Uncertain significance for Hereditary cancer-predisposing syndrome. Last evaluated: 2023-04-23. Review status: criteria provided, single submitter. Criteria: Ambry Variant Classification Scheme 2023. Collection method: clinical testing. Allele origin: germline.
Comment: The p.M113V variant (also known as c.337A>G), located in coding exon 3 of the RB1 gene, results from an A to G substitution at nucleotide position 337. The methionine at codon 113 is replaced by valine, an amino acid with highly similar properties. This amino acid position is conserved. In addition, the in silico prediction for this alteration is inconclusive. Since supporting evidence is limited at this time, the clinical significance of this alteration remains unclear.